The following is an entry in ClinVar:

ClinVar aggregate classification (germline): Pathogenic. Review status: reviewed by expert panel (3 of 4 stars). 8 submissions from 8 submitters: Pathogenic (1). 7 of the submissions do not count toward it. Last evaluated 2025-07-29.

Conditions:
Neuromuscular disease caused by qualitative or quantitative defects of dysferlin. Also called: Dysferlinopathy; Qualitative or quantitative defects of dysferlin. Identifiers: Orphanet 207073, MedGen C2931687, MONDO:0016145.
Miyoshi muscular dystrophy 1 (MMD1). Identifiers: Orphanet 45448, MedGen C4551973, MONDO:0024545, OMIM 254130.
Autosomal recessive limb-girdle muscular dystrophy type 2B (LGMDR2). Also called: MUSCULAR DYSTROPHY, LIMB-GIRDLE, TYPE 3; Limb-girdle muscular dystrophy, type 2B; MUSCULAR DYSTROPHY, LIMB-GIRDLE, AUTOSOMAL RECESSIVE 2; Limb-Girdle Muscular Dystrophy Type 2B (LGMD2B). Identifiers: Orphanet 268, MedGen C1850889, MONDO:0009676, OMIM 253601.
Autosomal recessive limb-girdle muscular dystrophy. Identifiers: Orphanet 102015, MedGen C2931907, MONDO:0015152.

Allele frequency attached by ClinVar (database versions not stated): gnomAD 0.00001; gnomAD exomes 0.00001; TOPMed 0.00003.
gnomAD v4.1: 17 of 1,583,140 alleles (0.0011%); highest among the groups gnomAD compares: Non-Finnish European, 0.0015%; no homozygotes.

Submissions (8):

ClinGen Limb Girdle Muscular Dystrophy Variant Curation Expert Panel, ClinGen
Classification: Pathogenic for Autosomal recessive limb-girdle muscular dystrophy. Last evaluated: 2025-07-29. Review status: reviewed by expert panel. Criteria: ClinGen LGMD VCEP ACMG Specifications DYSF V1.0.0. Collection method: curation. Allele origin: germline. Inheritance: Autosomal recessive inheritance.
Comment: The NM_003494.4: c.1168G>A variant in DYSF, which is also known as NM_001130987.2: c.1264G>A p.(Asp422Asn), is expected to cause the substitution of aspartic acid for asparagine at amino acid position 390, p.(Asp390Asn). This variant has been reported in at least 8 individuals with features consistent with LGMD or dysferlinopathy (PMID: 32934002, 33927379, 33927379, 30564623, 26273692, 18853459, 25783436; LOVD DYSF_000030), including in a homozygous state in one patient without reported familial consanguinity (0.5 pts, LOVD Individual #00215139). It has also been reported in unknown phase with a pathogenic variant in at least five patients (NM_003494.4: c.1177C>T p.(Glu393Ter), 0.5 pts, LOVD Individual #00215611; NM_003494.4: c.896G>A p.(Gly299Glu), 0.5 pts, PMID: 36983702; NM_003494.4: c.5302C>T p.(Arg1768Trp), 0.5 pts x3 = 1.5 pt, PMID: 32934002, 25783436, 33927379, 30564623, LOVD Individuals #00281785, #00215583, #00220676) and confirmed in trans with a likely pathogenic or pathogenic variant in one patient (NM_003494.4: c.4886+1249G>T, 1.0 pt, PMID: 26273692) (PM3_Very Strong). An affected sibling was shown to have the same two DYSF variants, but phase was not confirmed (PMID: 32934002, 25783436). In another patient, the c.1168G>A p.(Asp422Asn) variant was confirmed in cis with a likely pathogenic or pathogenic variant (NM_003494.4: c.3181del p.(Gln1061ArgfsTer59), LOVD Individual #00215537; BP2). At least one patient with this variant and a second presumed diagnostic DYSF variant had a clinical diagnosis of LGMD/Miyoshi myopathy and severely reduced or absent dysferlin protein expression in skeletal muscle, which is highly specific for DYSF-related LGMD (PMID: 36983702; PMID: 33610434; PP4_Strong). The filtering allele frequency for this variant is 0.000022226 for gnomAD v4.1.0 exomes (the upper threshold of the 95% CI of 16/1093372 European (non-Finnish) chromosomes), which is less than the ClinGen LGMD VCEP threshold (≤0.0001) (PM2_Supporting). RNAseq and minigene analysis have indicated this variant does not influence splicing (PMID: 36983702; PMID: 26273692), but the computational predictor REVEL gives a score of 0.414, suggesting an effect of the protein change cannot be ruled out (PP3, BP4 not met). In summary, this variant meets the criteria to be classified as Pathogenic for autosomal recessive limb girdle muscular dystrophy. Although there is benign evidence for this variant, this observation is not considered inconsistent with the final classification. ACMG/AMP criteria applied, as specified by the ClinGen LGMD VCEP (LGMD VCEP specifications version 1.0.0; 07/29/2025): PM3_Very Strong, PP4_Strong, PM2_Supporting, BP2.

GeneDx
Classification: Likely pathogenic. Last evaluated: 2026-03-17. Review status: criteria provided, single submitter. Criteria: GeneDx Variant Classification Process June 2021. Collection method: clinical testing. Allele origin: germline. Not counted in ClinVar's aggregate classification.
Comment: Observed with a likely pathogenic variant in a patient with features of limb girdle muscular dystrophy, but it is not known whether the variants occurred on the same (in cis) or on different (in trans) alleles (PMID: 18853459); Not observed at significant frequency in large population cohorts (gnomAD); In silico analysis supports that this missense variant has a deleterious effect on protein structure/function; This variant is associated with the following publications: (PMID: 31589614, 33610434, 32934002, 30564623, 24438169, 18853459, 25312915, 39678382, 34440373, 25783436, Carvalho2015[casereport], 26273692, 29792937, 33715265, 33927379, 36983702)

Natera, Inc.
Classification: Likely pathogenic for Limb-girdle muscular dystrophy type 2B. Last evaluated: 2025-11-13. Review status: criteria provided, single submitter. Criteria: Natera Variant Classification Schema (03/2026). Collection method: clinical testing. Allele origin: germline. Not counted in ClinVar's aggregate classification.
Comment: The c.1168G>A variant in DYSF is a missense variant predicted to cause substitution of aspartic acid to asparagine at amino acid 390. This variant is rare in the general population with a frequency below the threshold expected for the associated phenotype(s). This variant has been observed in one or more individuals affected with the associated recessive disease, as either homozygous or compound heterozygous with a second variant (PMID: 34440373, 33715265, 18853459). Additionally, this variant has been observed to segregate in affected family members (PMID: 34440373). Computational prediction algorithms indicate this variant is likely to affect gene or protein function. Given the available evidence, this variant is classified as Likely Pathogenic.

Labcorp Genetics (formerly Invitae), Labcorp
Classification: Pathogenic for Neuromuscular disease caused by qualitative or quantitative defects of dysferlin. Last evaluated: 2024-10-22. Review status: criteria provided, single submitter. Criteria: Invitae Variant Classification Sherloc (09022015). Collection method: clinical testing. Allele origin: germline. Not counted in ClinVar's aggregate classification.
Comment: This sequence change replaces aspartic acid, which is acidic and polar, with asparagine, which is neutral and polar, at codon 390 of the DYSF protein (p.Asp390Asn). This variant is present in population databases (no rsID available, gnomAD 0.002%). This missense change has been observed in individual(s) with distal myopathy (PMID: 18853459, 25783436, 26273692). It has also been observed to segregate with disease in related individuals. ClinVar contains an entry for this variant (Variation ID: 282410). Invitae Evidence Modeling of protein sequence and biophysical properties (such as structural, functional, and spatial information, amino acid conservation, physicochemical variation, residue mobility, and thermodynamic stability) has been performed for this missense variant. However, the output from this modeling did not meet the statistical confidence thresholds required to predict the impact of this variant on DYSF protein function. For these reasons, this variant has been classified as Pathogenic.

Baylor Genetics
Classification: Likely pathogenic for Miyoshi muscular dystrophy 1. Last evaluated: 2024-03-15. Review status: criteria provided, single submitter. Criteria: ACMG Guidelines, 2015. Collection method: clinical testing. Allele origin: unknown. Not counted in ClinVar's aggregate classification.

Women's Health and Genetics/Laboratory Corporation of America, LabCorp
Classification: Pathogenic for Autosomal recessive limb-girdle muscular dystrophy. Last evaluated: 2023-06-02. Review status: criteria provided, single submitter. Criteria: LabCorp Variant Classification Summary - May 2015. Collection method: clinical testing. Allele origin: germline. Not counted in ClinVar's aggregate classification.
Comment: Variant summary: DYSF c.1168G>A (p.Asp390Asn) results in a conservative amino acid change located in the 3rd C2 repeat domain (IPR000008) of the encoded protein sequence. Four of five in-silico tools predict a damaging effect of the variant on protein function. The variant allele was found at a frequency of 8e-06 in 250594 control chromosomes (gnomAD). c.1168G>A has been reported in the literature in multiple individuals affected with Limb-Girdle Muscular Dystrophy, Autosomal Recessive, including two 2 affected individuals in the same family (e.g. Krahn_2009, Cerino_2020, Charnay_2021, Kergourlay_2015), and in multiple cases the absence of the dysferlin protein on western blot / immunohisto-chemistry was noted. These data indicate that the variant is very likely to be associated with disease. One publication reported that this variant has no effect on splicing in a mini-gene assay (Kergourlay_2014), however these results do not allow conclusions about the protein level effect of this variant. The following publications have been ascertained in the context of this evaluation (PMID: 18853459, 32934002, 33927379, 26273692, 25312915). Three clinical diagnostic laboratories have submitted clinical-significance assessments for this variant to ClinVar after 2014 without evidence for independent evaluation. All laboratories classified the variant as pathogenic/likely pathogenic. Based on the evidence outlined above, the variant was classified as pathogenic.

Eurofins Ntd Llc (ga)
Classification: Likely pathogenic. Last evaluated: 2016-03-04. Review status: criteria provided, single submitter. Criteria: EGL Classification Definitions 2015. Collection method: clinical testing. Allele origin: germline. Observed: 2 variant alleles, 2 heterozygotes. Not counted in ClinVar's aggregate classification.

Counsyl
Classification: Likely pathogenic for Autosomal recessive limb-girdle muscular dystrophy type 2B. Last evaluated: 2017-04-07. Review status: no assertion criteria provided. Collection method: clinical testing. Allele origin: unknown. Not counted in ClinVar's aggregate classification.

Literature cited by the submitters: PubMed 34440373 (cited by Natera, Inc.); PubMed 33715265 (cited by Natera, Inc.); PubMed 18853459 (cited by 4 submitters); PubMed 25783436 (cited by Labcorp Genetics (formerly Invitae), Labcorp); PubMed 26273692 (cited by 3 submitters); PubMed 32934002 (cited by Women's Health and Genetics/Laboratory Corporation of America, LabCorp); PubMed 25312915 (cited by Women's Health and Genetics/Laboratory Corporation of America, LabCorp and Counsyl); PubMed 33927379 (cited by Women's Health and Genetics/Laboratory Corporation of America, LabCorp).

NM_001130987.2(DYSF):c.1264G>A (p.Asp422Asn)

Gene: DYSF (dysferlin; plus strand). Cytogenetic location: 2p13.2.
Variant type: single nucleotide variant.
Coding change: c.1264G>A on transcript NM_001130987.2 (MANE Select); coding-DNA position 1264, G replaced by A.
Protein change: p.Asp422Asn; replaces aspartic acid 422 with asparagine.
Molecular consequence: missense variant.
Genome position (GRCh38, 1-based): chr2:71,526,334, G>A. VCF-style: chr2-71526334-G-A. GRCh37 (hg19) VCF-style: chr2-71753464-G-A.
Other names: NM_001130987.2(DYSF):c.1264G>A; p.Asp422Asn; c.1171G>A, p.Asp391Asn (NM_001130455.2, NM_001130983.2, NM_001130984.2 and 1 more transcripts); c.1168G>A, p.Asp390Asn (NM_001130976.2, NM_001130977.2, NM_001130978.2 and 1 more transcripts); c.1261G>A, p.Asp421Asn (NM_001130979.2, NM_001130980.2, NM_001130981.2); c.1264G>A, p.Asp422Asn (NM_001130982.2, NM_001130985.2); short protein forms D422N, D390N, D391N, D421N.
Identifiers: ClinVar variation 282410 (VCV000282410.22), dbSNP rs886042389, ClinGen allele CA10604166.